The following is an entry in ClinVar:

NM_000038.6(APC):c.7048T>A (p.Ser2350Thr)

Gene: APC (APC regulator of Wnt signaling pathway; plus strand). Cytogenetic location: 5q22.2.
Variant type: single nucleotide variant.
Coding change: c.7048T>A on transcript NM_000038.6 (MANE Select); coding-DNA position 7048, T replaced by A.
Protein change: p.Ser2350Thr; replaces serine 2350 with threonine.
Molecular consequence: missense variant.
Genome position (GRCh38, 1-based): chr5:112,842,642, T>A. VCF-style: chr5-112842642-T-A. GRCh37 (hg19) VCF-style: chr5-112178339-T-A.
Other names: c.7048T>A, p.Ser2350Thr (NM_001127510.3, NM_001354895.2); c.6994T>A, p.Ser2332Thr (NM_001127511.3); c.7102T>A, p.Ser2368Thr (NM_001354896.2); c.7078T>A, p.Ser2360Thr (NM_001354897.2); c.6973T>A, p.Ser2325Thr (NM_001354898.2); c.6964T>A, p.Ser2322Thr (NM_001354899.2); c.6925T>A, p.Ser2309Thr (NM_001354900.2); c.6871T>A, p.Ser2291Thr (NM_001354901.2); and 5 more; short protein forms S2332T, S2350T, S2067T, S2190T, S2309T, S2368T, S2224T, S2259T.
Identifiers: ClinVar variation 482365 (VCV000482365.19), dbSNP rs1554087948, ClinGen allele CA16036691.
Genomic context (GRCh38, chr5:112,842,642, plus strand): 5'-TCCCCTGGTAGAAATGGAATAAGTCCTCCTAACAAATTATCTCAACTTCCAAGGACATCA[T>A]CCCCTAGTACTGCTTCAACTAAGTCCTCAGGTTCTGGAAAAATGTCATATACATCTCCAG-3'
Protein context (NP_000029.2, residues 2340-2360): NKLSQLPRTS[Ser2350Thr]PSTASTKSSG

ClinVar aggregate classification (germline): Uncertain significance. Review status: criteria provided, multiple submitters, no conflicts (2 of 4 stars). 4 submissions from 4 submitters: Uncertain significance (4). Last evaluated 2024-09-13.

Conditions:
Hereditary cancer-predisposing syndrome. Also called: Neoplastic Syndromes, Hereditary; Tumor predisposition; Hereditary Cancer Syndrome; Hereditary neoplastic syndrome. Identifiers: Orphanet 140162, MedGen C0027672, MeSH D009386, MONDO:0015356.
Familial adenomatous polyposis 1 (FAP1). Also called: FAMILIAL ADENOMATOUS POLYPOSIS 1, ATTENUATED; POLYPOSIS, ADENOMATOUS INTESTINAL. Identifiers: MedGen C2713442, MONDO:0021056, OMIM 175100. Disease mechanism: loss of function.

Allele frequency attached by ClinVar (database versions not stated): gnomAD exomes below 0.00001.
gnomAD v4.1: 1 of 1,613,870 alleles (0.000062%); highest among the groups gnomAD compares: East Asian, 0.0022%; no homozygotes.

Submissions (4):

Ambry Genetics
Classification: Uncertain significance for Hereditary cancer-predisposing syndrome. Last evaluated: 2024-09-13. Review status: criteria provided, single submitter. Criteria: Ambry Variant Classification Scheme 2023. Collection method: clinical testing. Allele origin: germline.
Comment: The p.S2350T variant (also known as c.7048T>A), located in coding exon 15 of the APC gene, results from a T to A substitution at nucleotide position 7048. The serine at codon 2350 is replaced by threonine, an amino acid with similar properties. This amino acid position is well conserved in available vertebrate species. In addition, in silico predictors for this gene do not accurately predict pathogenicity. Missense alterations in APC are not a common cause of disease (Spier I et al. Genet Med. 2024 Feb;26(2):100992). Based on the available evidence, the clinical significance of this variant remains unclear.

Labcorp Genetics (formerly Invitae), Labcorp
Classification: Uncertain significance for Familial adenomatous polyposis 1. Last evaluated: 2024-07-30. Review status: criteria provided, single submitter. Criteria: Invitae Variant Classification Sherloc (09022015). Collection method: clinical testing. Allele origin: germline.
Comment: This sequence change replaces serine, which is neutral and polar, with threonine, which is neutral and polar, at codon 2350 of the APC protein (p.Ser2350Thr). This variant is not present in population databases (gnomAD no frequency). This variant has not been reported in the literature in individuals affected with APC-related conditions. ClinVar contains an entry for this variant (Variation ID: 482365). Advanced modeling of protein sequence and biophysical properties (such as structural, functional, and spatial information, amino acid conservation, physicochemical variation, residue mobility, and thermodynamic stability) performed at Invitae indicates that this missense variant is not expected to disrupt APC protein function with a negative predictive value of 95%. In summary, the available evidence is currently insufficient to determine the role of this variant in disease. Therefore, it has been classified as a Variant of Uncertain Significance.

Baylor Genetics
Classification: Uncertain significance for Familial adenomatous polyposis 1. Last evaluated: 2024-02-09. Review status: criteria provided, single submitter. Criteria: ACMG Guidelines, 2015. Collection method: clinical testing. Allele origin: unknown.

Color Diagnostics, LLC DBA Color Health
Classification: Uncertain significance for Hereditary cancer-predisposing syndrome. Last evaluated: 2019-03-16. Review status: criteria provided, single submitter. Criteria: ACMG Guidelines, 2015. Collection method: clinical testing. Allele origin: germline.